The following is an entry in ClinVar:

ClinVar aggregate classification (germline): Likely benign (1 of 4 stars; one submission).

gnomAD v4.1: 1 of 1,614,092 alleles (0.000062%); highest among the groups gnomAD compares: Non-Finnish European, 0.000085%; no homozygotes.

Submission:

CeGaT Center for Human Genetics Tuebingen
Classification: Likely benign. Last evaluated: 2026-01-01. Review status: criteria provided, single submitter. Criteria: CeGaT Center For Human Genetics Tuebingen Variant Classification Criteria Version 2. Collection method: clinical testing. Allele origin: germline. Affected: yes. Observed: 1 variant allele.
Comment: CAPRIN1: BP4, BP7

NM_005898.5(CAPRIN1):c.1353T>A (p.Pro451=)

Gene: CAPRIN1 (cell cycle associated protein 1; plus strand). Cytogenetic location: 11p13.
Variant type: single nucleotide variant.
Coding change: c.1353T>A on transcript NM_005898.5 (MANE Select); coding-DNA position 1353, T replaced by A.
Protein change: p.Pro451=; no amino-acid change (proline 451 retained).
Molecular consequence: synonymous variant.
Genome position (GRCh38, 1-based): chr11:34,090,238, T>A. VCF-style: chr11-34090238-T-A. GRCh37 (hg19) VCF-style: chr11-34111785-T-A.
Other names: c.1353T>A, p.Pro451= (NM_203364.3).
Identifiers: ClinVar variation 4822582 (VCV004822582.4).